The following is an entry in ClinVar:

NM_006019.4(TCIRG1):c.2268G>A (p.Met756Ile)

Gene: TCIRG1 (T cell immune regulator 1, ATPase H+ transporting V0 subunit a3; plus strand). Cytogenetic location: 11q13.2.
Variant type: single nucleotide variant.
Coding change: c.2268G>A on transcript NM_006019.4 (MANE Select); coding-DNA position 2268, G replaced by A.
Protein change: p.Met756Ile; replaces methionine 756 with isoleucine.
Molecular consequence: missense variant. On other transcripts: intron variant (4).
Genome position (GRCh38, 1-based): chr11:68,050,518, G>A. VCF-style: chr11-68050518-G-A. GRCh37 (hg19) VCF-style: chr11-67817985-G-A.
Other names: c.1374G>A, p.Met458Ile (NM_001351059.2); c.2268G>A, p.Met756Ile (NM_001440552.1, NM_001440553.1, NM_001440554.1); c.2226G>A, p.Met742Ile (NM_001440555.1, NM_001440556.1); c.2055G>A, p.Met685Ile (NM_001440559.1, NM_001440560.1, NM_001440561.1 and 1 more transcripts); c.2013G>A, p.Met671Ile (NM_001440564.1); c.1968G>A, p.Met656Ile (NM_001440565.1); c.1806G>A, p.Met602Ile (NM_001440567.1); c.1800G>A, p.Met600Ile (NM_001440568.1); and 5 more; short protein forms M436I, M458I, M540I, M600I, M602I, M656I, M671I, M685I.
Identifiers: ClinVar variation 4802115 (VCV004802115.1).
Genomic context (GRCh38, chr11:68,050,518, plus strand): 5'-TTGGCCCCCACTGTCTCCTTTGCTTGCAGAGCTGTCCGAGGTTCTGTGGGCCATGGTGAT[G>A]CGCATAGGCCTGGGCCTGGGCCGGGAGGTGGGCGTGGCGGCTGTGGTGCTGGTCCCCATC-3'
Protein context (NP_006010.2, residues 746-766): QLSEVLWAMV[Met756Ile]RIGLGLGREV

ClinVar aggregate classification (germline): Uncertain significance (1 of 4 stars; one submission).

gnomAD v4.1: 3 of 1,612,840 alleles (0.00019%); highest among the groups gnomAD compares: Non-Finnish European, 0.00025%; no homozygotes.

Submission:

Labcorp Genetics (formerly Invitae), Labcorp
Classification: Uncertain significance. Last evaluated: 2025-04-29. Review status: criteria provided, single submitter. Criteria: Invitae Variant Classification Sherloc (09022015). Collection method: clinical testing. Allele origin: germline.
Comment: This sequence change replaces methionine, which is neutral and non-polar, with isoleucine, which is neutral and non-polar, at codon 756 of the TCIRG1 protein (p.Met756Ile). This variant is not present in population databases (gnomAD no frequency). This variant has not been reported in the literature in individuals affected with TCIRG1-related conditions. Invitae Evidence Modeling of protein sequence and biophysical properties (such as structural, functional, and spatial information, amino acid conservation, physicochemical variation, residue mobility, and thermodynamic stability) indicates that this missense variant is not expected to disrupt TCIRG1 protein function with a negative predictive value of 80%. In summary, the available evidence is currently insufficient to determine the role of this variant in disease. Therefore, it has been classified as a Variant of Uncertain Significance.